The following is an entry in ClinVar:

ClinVar aggregate classification (germline): Uncertain significance (1 of 4 stars; one submission).

Submission:

Labcorp Genetics (formerly Invitae), Labcorp
Classification: Uncertain significance. Last evaluated: 2024-07-07. Review status: criteria provided, single submitter. Criteria: Invitae Variant Classification Sherloc (09022015). Collection method: clinical testing. Allele origin: germline.
Comment: This sequence change affects the initiator methionine of the MRPS14 mRNA. The next in-frame methionine is located at codon 5. This variant is not present in population databases (gnomAD no frequency). This variant has not been reported in the literature in individuals affected with MRPS14-related conditions. Experimental studies and prediction algorithms are not available or were not evaluated, and the functional significance of this variant is currently unknown. In summary, the available evidence is currently insufficient to determine the role of this variant in disease. Therefore, it has been classified as a Variant of Uncertain Significance.

NM_022100.3(MRPS14):c.3G>T (p.Met1Ile)

Gene: MRPS14 (mitochondrial ribosomal protein S14; minus strand). Cytogenetic location: 1q25.1.
Variant type: single nucleotide variant.
Coding change: c.3G>T on transcript NM_022100.3 (MANE Select); coding-DNA position 3, G replaced by T.
Protein change: p.Met1Ile; changes the start codon (methionine 1).
Molecular consequence: missense variant, initiator codon variant. On other transcripts: non-coding transcript variant (1).
Genome position (GRCh38, 1-based): chr1:175,023,406, C>A on the plus strand (G>T on the coding strand, the complement: MRPS14 is on the minus strand). VCF-style: chr1-175023406-C-A. GRCh37 (hg19) VCF-style: chr1-174992542-C-A.
Other names: short protein forms M1I.
Identifiers: ClinVar variation 3675774 (VCV003675774.2).
Genomic context (GRCh38, chr1:175,023,406, plus strand): 5'-TAAAAGTAGAGGCCTGACCTGCTTGAACGTCCGCAGCAGCGAGCCCAGCATGAAGGCCGC[C>A]ATGTTGTCCGCTACAAACTACAAACCGCTGAAACTTTATTGACACTGCCGAATAGCGCAG-3'
Protein context (NP_071383.1, residues 1-11): [Met1Ile]AAFMLGSLLR